The following is an entry in ClinVar:

ClinVar aggregate classification (germline): Conflicting classifications of pathogenicity. Review status: criteria provided, conflicting classifications (1 of 4 stars). 7 submissions from 7 submitters: Uncertain significance (4); Likely benign (3). Last evaluated 2026-02-20.

Conditions:
Peroxisome biogenesis disorder, complementation group K (CGK). Identifiers: MedGen C1866257, MONDO:0800365.
PEX14-related disorder. Also called: PEX14-related condition.
Inborn genetic diseases. Identifiers: MedGen C0950123, MeSH D030342.
Peroxisome biogenesis disorder 13A (Zellweger). Also called: Peroxisome biogenesis disorder 13A. Identifiers: Orphanet 912, MedGen C3554004, MONDO:0013952, OMIM 614887.

Allele frequency attached by ClinVar (database versions not stated): ExAC 0.00066; gnomAD exomes 0.00068 and 0.00108; gnomAD 0.00070 and 0.00071; TOPMed 0.00071; ESP Exome Variant Server 0.00077.
gnomAD v4.1: 1,706 of 1,608,406 alleles (0.11%); highest among the groups gnomAD compares: Non-Finnish European, 0.13%; 4 homozygotes.

Submissions (7):

PreventionGenetics, part of Exact Sciences
Classification: Uncertain significance for PEX14-related condition. Last evaluated: 2026-02-20. Review status: criteria provided, single submitter. Criteria: ACMG Guidelines, 2015. Collection method: clinical testing. Allele origin: germline.
Comment: The PEX14 c.575C>G variant is predicted to result in the amino acid substitution p.Ala192Gly. To our knowledge, this variant has not been reported in the literature. This variant is reported in 0.11% of alleles in individuals of European (Non-Finnish) descent in gnomAD including a homozygous individual, which is likely too common to be a primary cause of disease. Although we suspect that this variant may be benign, at this time, the clinical significance of this variant is uncertain due to the absence of conclusive functional and genetic evidence.

Labcorp Genetics (formerly Invitae), Labcorp
Classification: Likely benign for Peroxisome biogenesis disorder, complementation group K. Last evaluated: 2026-01-27. Review status: criteria provided, single submitter. Criteria: Invitae Variant Classification Sherloc (09022015). Collection method: clinical testing. Allele origin: germline.

Mayo Clinic Laboratories, Mayo Clinic
Classification: Likely benign. Last evaluated: 2025-02-26. Review status: criteria provided, single submitter. Criteria: ACMG Guidelines, 2015. Collection method: clinical testing. Allele origin: germline. Observed: 3 variant alleles.
Comment: BS1, BP4_moderate

Blueprint Genetics
Classification: Likely benign. Last evaluated: 2024-11-25. Review status: criteria provided, single submitter. Criteria: ACMG Guidelines, 2015. Collection method: clinical testing. Allele origin: germline.

Ambry Genetics
Classification: Uncertain significance for Inborn genetic diseases. Last evaluated: 2021-07-15. Review status: criteria provided, single submitter. Criteria: Ambry Variant Classification Scheme 2023. Collection method: clinical testing. Allele origin: germline.

Fulgent Genetics
Classification: Uncertain significance for Peroxisome biogenesis disorder 13A (Zellweger). Last evaluated: 2018-10-31. Review status: criteria provided, single submitter. Criteria: ACMG Guidelines, 2015. Collection method: clinical testing. Allele origin: unknown.

Eurofins Ntd Llc (ga)
Classification: Uncertain significance. Last evaluated: 2018-07-06. Review status: criteria provided, single submitter. Criteria: EGL ClinVar v180209 classification definitions. Collection method: clinical testing. Allele origin: germline. Observed: 7 variant alleles, 7 heterozygotes.

NM_004565.3(PEX14):c.575C>G (p.Ala192Gly)

Genes: PEX14 (peroxisomal biogenesis factor 14; plus strand), LOC126805616 (CDK7 strongly-dependent group 2 enhancer GRCh37_chr1:10683990-10685189; plus strand). Cytogenetic location: 1p36.22.
Variant type: single nucleotide variant.
Coding change: c.575C>G on transcript NM_004565.3 (MANE Select); coding-DNA position 575, C replaced by G.
Protein change: p.Ala192Gly; replaces alanine 192 with glycine.
Molecular consequence: missense variant.
Genome position (GRCh38, 1-based): chr1:10,624,427, C>G. VCF-style: chr1-10624427-C-G. GRCh37 (hg19) VCF-style: chr1-10684484-C-G.
Other names: p.Ala192Gly; short protein forms A192G.
Identifiers: ClinVar variation 198515 (VCV000198515.23), dbSNP rs147706488, ClinGen allele CA247197.